The following is an entry in ClinVar:

NM_025074.7(FRAS1):c.5966C>G (p.Pro1989Arg)

Gene: FRAS1 (Fraser extracellular matrix complex subunit 1; plus strand). Cytogenetic location: 4q21.21.
Variant type: single nucleotide variant.
Coding change: c.5966C>G on transcript NM_025074.7 (MANE Select); coding-DNA position 5966, C replaced by G.
Protein change: p.Pro1989Arg; replaces proline 1989 with arginine.
Molecular consequence: missense variant.
Genome position (GRCh38, 1-based): chr4:78,446,836, C>G. VCF-style: chr4-78446836-C-G. GRCh37 (hg19) VCF-style: chr4-79367990-C-G.
Other names: short protein forms P1989R.
Identifiers: ClinVar variation 3618325 (VCV003618325.2).

ClinVar aggregate classification (germline): Uncertain significance (1 of 4 stars; one submission).

gnomAD v4.1: 5 of 1,612,118 alleles (0.00031%); highest among the groups gnomAD compares: Middle Eastern, 0.033%; no homozygotes.

Submission:

Labcorp Genetics (formerly Invitae), Labcorp
Classification: Uncertain significance. Last evaluated: 2024-04-18. Review status: criteria provided, single submitter. Criteria: Invitae Variant Classification Sherloc (09022015). Collection method: clinical testing. Allele origin: germline.
Comment: This sequence change replaces proline, which is neutral and non-polar, with arginine, which is basic and polar, at codon 1989 of the FRAS1 protein (p.Pro1989Arg). This variant is present in population databases (rs779044985, gnomAD 0.003%). This variant has not been reported in the literature in individuals affected with FRAS1-related conditions. Advanced modeling of protein sequence and biophysical properties (such as structural, functional, and spatial information, amino acid conservation, physicochemical variation, residue mobility, and thermodynamic stability) performed at Invitae indicates that this missense variant is expected to disrupt FRAS1 protein function with a positive predictive value of 80%. In summary, the available evidence is currently insufficient to determine the role of this variant in disease. Therefore, it has been classified as a Variant of Uncertain Significance.